The following is an entry in ClinVar:

ClinVar aggregate classification (germline): Uncertain significance (1 of 4 stars; one submission).

Conditions:
Benign neonatal seizures. Also called: Benign familial neonatal seizures; Convulsions benign familial neonatal dominant form; Autosomal dominant form of benign neonatal seizures; Benign neonatal familial convulsions; Benign familial neonatal epilepsy. Identifiers: Orphanet 1949, MedGen C0220669, MONDO:0016027.

gnomAD v4.1: 4 of 1,614,202 alleles (0.00025%); highest among the groups gnomAD compares: African/African-American, 0.004%; no homozygotes.

Submission:

Labcorp Genetics (formerly Invitae), Labcorp
Classification: Uncertain significance for Benign neonatal seizures. Last evaluated: 2025-03-27. Review status: criteria provided, single submitter. Criteria: Invitae Variant Classification Sherloc (09022015). Collection method: clinical testing. Allele origin: germline.
Comment: This sequence change replaces proline, which is neutral and non-polar, with leucine, which is neutral and non-polar, at codon 789 of the KCNQ3 protein (p.Pro789Leu). This variant is not present in population databases (gnomAD no frequency). This variant has not been reported in the literature in individuals affected with KCNQ3-related conditions. Invitae Evidence Modeling of protein sequence and biophysical properties (such as structural, functional, and spatial information, amino acid conservation, physicochemical variation, residue mobility, and thermodynamic stability) indicates that this missense variant is not expected to disrupt KCNQ3 protein function with a negative predictive value of 95%. In summary, the available evidence is currently insufficient to determine the role of this variant in disease. Therefore, it has been classified as a Variant of Uncertain Significance.

NM_004519.4(KCNQ3):c.2366C>T (p.Pro789Leu)

Gene: KCNQ3 (potassium voltage-gated channel subfamily Q member 3; minus strand). Cytogenetic location: 8q24.22.
Variant type: single nucleotide variant.
Coding change: c.2366C>T on transcript NM_004519.4 (MANE Select); coding-DNA position 2366, C replaced by T.
Protein change: p.Pro789Leu; replaces proline 789 with leucine.
Molecular consequence: missense variant.
Genome position (GRCh38, 1-based): chr8:132,129,515, G>A on the plus strand (C>T on the coding strand, the complement: KCNQ3 is on the minus strand). VCF-style: chr8-132129515-G-A. GRCh37 (hg19) VCF-style: chr8-133141762-G-A.
Other names: c.2006C>T, p.Pro669Leu (NM_001204824.2); short protein forms P669L, P789L.
Identifiers: ClinVar variation 3705869 (VCV003705869.2).